The following is an entry in ClinVar:

ClinVar aggregate classification (germline): Uncertain significance (1 of 4 stars; one submission).

Conditions:
RASopathy. Also called: rasopathies; Noonan spectrum disorder. Identifiers: Orphanet 536391, MedGen C5555857, MONDO:0021060.

Submission:

Labcorp Genetics (formerly Invitae), Labcorp
Classification: Uncertain significance for RASopathy. Last evaluated: 2024-08-28. Review status: criteria provided, single submitter. Criteria: Invitae Variant Classification Sherloc (09022015). Collection method: clinical testing. Allele origin: germline.
Comment: This sequence change replaces asparagine, which is neutral and polar, with histidine, which is basic and polar, at codon 585 of the SOS1 protein (p.Asn585His). This variant is not present in population databases (gnomAD no frequency). This variant has not been reported in the literature in individuals affected with SOS1-related conditions. Invitae Evidence Modeling of protein sequence and biophysical properties (such as structural, functional, and spatial information, amino acid conservation, physicochemical variation, residue mobility, and thermodynamic stability) indicates that this missense variant is expected to disrupt SOS1 protein function with a positive predictive value of 95%. In summary, the available evidence is currently insufficient to determine the role of this variant in disease. Therefore, it has been classified as a Variant of Uncertain Significance.

NM_005633.4(SOS1):c.1753A>C (p.Asn585His)

Gene: SOS1 (SOS Ras/Rac guanine nucleotide exchange factor 1; minus strand). Cytogenetic location: 2p22.1.
Variant type: single nucleotide variant.
Coding change: c.1753A>C on transcript NM_005633.4 (MANE Select); coding-DNA position 1753, A replaced by C.
Protein change: p.Asn585His; replaces asparagine 585 with histidine.
Molecular consequence: missense variant.
Genome position (GRCh38, 1-based): chr2:39,022,675, T>G on the plus strand (A>C on the coding strand, the complement: SOS1 is on the minus strand). VCF-style: chr2-39022675-T-G. GRCh37 (hg19) VCF-style: chr2-39249816-T-G.
Other names: c.1732A>C, p.Asn578His (NM_001382394.1); c.1753A>C, p.Asn585His (NM_001382395.1); short protein forms N578H, N585H.
Identifiers: ClinVar variation 3604322 (VCV003604322.2).